The following is an entry in ClinVar:

ClinVar aggregate classification (germline): Likely benign (0 of 4 stars; one submission).

Conditions:
DYRK1B-related disorder. Also called: DYRK1B-related condition.

gnomAD v4.1: 8 of 1,352,406 alleles (0.00059%); highest among the groups gnomAD compares: Non-Finnish European, 0.00067%; no homozygotes.

Submission:

PreventionGenetics, part of Exact Sciences
Classification: Likely benign for DYRK1B-related condition. Last evaluated: 2024-04-03. Review status: no assertion criteria provided. Collection method: clinical testing. Allele origin: germline.
Comment: This variant is classified as likely benign based on ACMG/AMP sequence variant interpretation guidelines (Richards et al. 2015 PMID: 25741868, with internal and published modifications).

NM_004714.3(DYRK1B):c.1149G>A (p.Thr383=)

Gene: DYRK1B (dual specificity tyrosine phosphorylation regulated kinase 1B; minus strand). Cytogenetic location: 19q13.2.
Variant type: single nucleotide variant.
Coding change: c.1149G>A on transcript NM_004714.3 (MANE Select); coding-DNA position 1149, G replaced by A.
Protein change: p.Thr383=; no amino-acid change (threonine 383 retained).
Molecular consequence: synonymous variant. On other transcripts: intron variant (2).
Genome position (GRCh38, 1-based): chr19:39,826,934, C>T on the plus strand (G>A on the coding strand, the complement: DYRK1B is on the minus strand). VCF-style: chr19-39826934-C-T. GRCh37 (hg19) VCF-style: chr19-40317574-C-T.
Other names: c.1096-67G>A (NM_006483.3); c.1131+18G>A (NM_006484.3).
Identifiers: ClinVar variation 3353702 (VCV003353702.1).
Genomic context (GRCh38, chr19:39,826,934, plus strand): 5'-GCGGAGGTAGTCGGCGGGGCTGTGGCCCGGCTCCCCCGCCCGCCGGCCCCCGGGCCCGCC[C>T]GTCTGCACGCCCAGCACCTCCTGCAGCCGCCGTGTCCCGGGGCCCTGGTAATCCTGGCAG-3'
Protein context (NP_004705.1, residues 373-393): RRLQEVLGVQ[Thr383=]GGPGGRRAGE